The following is an entry in ClinVar:

NM_004104.5(FASN):c.6886G>A (p.Val2296Met)

Gene: FASN (fatty acid synthase; minus strand). Cytogenetic location: 17q25.3.
Variant type: single nucleotide variant.
Coding change: c.6886G>A on transcript NM_004104.5 (MANE Select); coding-DNA position 6886, G replaced by A.
Protein change: p.Val2296Met; replaces valine 2296 with methionine.
Molecular consequence: missense variant.
Genome position (GRCh38, 1-based): chr17:82,080,531, C>T on the plus strand (G>A on the coding strand, the complement: FASN is on the minus strand). VCF-style: chr17-82080531-C-T. GRCh37 (hg19) VCF-style: chr17-80038407-C-T.
Other names: short protein forms V2296M.
Identifiers: ClinVar variation 3705606 (VCV003705606.2).
Genomic context (GRCh38, chr17:82,080,531, plus strand): 5'-CAAAGGCCACGCAGGCCCCGTAGGAGTAGCCGGCCACGCGGTAGGGGCCCTCGGGCTGCA[C>T]CTGCCTGATGCAGTCGATGTAGTAGGCAGCCAGGCTGTGGATGCTGTCAAGGGGCGCAGC-3'
Protein context (NP_004095.4, residues 2286-2306): AAYYIDCIRQ[Val2296Met]QPEGPYRVAG

ClinVar aggregate classification (germline): Uncertain significance (1 of 4 stars; one submission).

Conditions:
Epileptic encephalopathy. Identifiers: MedGen C0543888, HP:0200134.

gnomAD v4.1: 2 of 1,561,586 alleles (0.00013%); highest among the groups gnomAD compares: East Asian, 0.0048%; no homozygotes.

Submission:

Labcorp Genetics (formerly Invitae), Labcorp
Classification: Uncertain significance for Epileptic encephalopathy. Last evaluated: 2024-10-20. Review status: criteria provided, single submitter. Criteria: Invitae Variant Classification Sherloc (09022015). Collection method: clinical testing. Allele origin: germline.
Comment: This sequence change replaces valine, which is neutral and non-polar, with methionine, which is neutral and non-polar, at codon 2296 of the FASN protein (p.Val2296Met). This variant is not present in population databases (gnomAD no frequency). This variant has not been reported in the literature in individuals affected with FASN-related conditions. An algorithm developed to predict the effect of missense changes on protein structure and function (PolyPhen-2) suggests that this variant is likely to be disruptive. In summary, the available evidence is currently insufficient to determine the role of this variant in disease. Therefore, it has been classified as a Variant of Uncertain Significance.